The following is an entry in ClinVar:

ClinVar aggregate classification (germline): Uncertain significance (1 of 4 stars; one submission).

Conditions:
Combined immunodeficiency due to DOCK8 deficiency (HIES2). Also called: HYPER-IgE SYNDROME 2, AUTOSOMAL RECESSIVE, WITH RECURRENT INFECTIONS; HIES autosomal recessive; Hyper-IgE recurrent infection syndrome, autosomal recessive; HYPER-IgE RECURRENT INFECTION SYNDROME 2, AUTOSOMAL RECESSIVE; DOCK8 Deficiency. Identifiers: Orphanet 217390, MedGen C4722305, MONDO:0009478, OMIM 243700.

gnomAD v4.1: 1 of 1,613,002 alleles (0.000062%); highest among the groups gnomAD compares: South Asian, 0.0011%; no homozygotes.

Submission:

Labcorp Genetics (formerly Invitae), Labcorp
Classification: Uncertain significance for Combined immunodeficiency due to DOCK8 deficiency. Last evaluated: 2025-10-29. Review status: criteria provided, single submitter. Criteria: Invitae Variant Classification Sherloc (09022015). Collection method: clinical testing. Allele origin: germline.
Comment: This sequence change replaces isoleucine, which is neutral and non-polar, with threonine, which is neutral and polar, at codon 1945 of the DOCK8 protein (p.Ile1945Thr). This variant is not present in population databases (gnomAD no frequency). This variant has not been reported in the literature in individuals affected with DOCK8-related conditions. Invitae Evidence Modeling of protein sequence and biophysical properties (such as structural, functional, and spatial information, amino acid conservation, physicochemical variation, residue mobility, and thermodynamic stability) indicates that this missense variant is not expected to disrupt DOCK8 protein function with a negative predictive value of 80%. In summary, the available evidence is currently insufficient to determine the role of this variant in disease. Therefore, it has been classified as a Variant of Uncertain Significance.

NM_203447.4(DOCK8):c.5834T>C (p.Ile1945Thr)

Gene: DOCK8 (dedicator of cytokinesis 8; plus strand). Cytogenetic location: 9p24.3.
Variant type: single nucleotide variant.
Coding change: c.5834T>C on transcript NM_203447.4 (MANE Select); coding-DNA position 5834, T replaced by C.
Protein change: p.Ile1945Thr; replaces isoleucine 1945 with threonine.
Molecular consequence: missense variant.
Genome position (GRCh38, 1-based): chr9:449,800, T>C. VCF-style: chr9-449800-T-C. GRCh37 (hg19) VCF-style: chr9-449800-T-C.
Other names: c.5534T>C, p.Ile1845Thr (NM_001190458.2); c.5630T>C, p.Ile1877Thr (NM_001193536.2); short protein forms I1877T, I1845T, I1945T.
Identifiers: ClinVar variation 4709048 (VCV004709048.1).